The following is an entry in ClinVar:

ClinVar aggregate classification (germline): Conflicting classifications of pathogenicity. Review status: criteria provided, conflicting classifications (1 of 4 stars). 3 submissions from 3 submitters: Pathogenic (1); Uncertain significance (2). Last evaluated 2025-02-19.

Conditions:
Primary ciliary dyskinesia. Also called: Ciliary dyskinesia. Identifiers: Orphanet 244, MedGen C0008780, MONDO:0016575, HP:0012265.
Primary ciliary dyskinesia 7. Also called: CILIARY DYSKINESIA, PRIMARY, 7, WITH OR WITHOUT SITUS INVERSUS. Identifiers: Orphanet 244, MedGen C2678473, MONDO:0012748, OMIM 611884.

Allele frequency attached by ClinVar (database versions not stated): gnomAD exomes below 0.00001; ExAC 0.00001; gnomAD 0.00001; TOPMed 0.00001; ESP Exome Variant Server 0.00008.
gnomAD v4.1: 4 of 1,613,402 alleles (0.00025%); highest among the groups gnomAD compares: African/African-American, 0.004%; no homozygotes.

Submissions (3):

Broad Center for Mendelian Genomics, Broad Institute of MIT and Harvard
Classification: Uncertain significance for Primary ciliary dyskinesia 7. Last evaluated: 2025-02-19. Review status: criteria provided, single submitter. Criteria: ACMG Guidelines, 2015. Collection method: curation. Allele origin: germline. Inheritance: Autosomal recessive inheritance.
Comment: The p.Gly2860Ser variant in DNAH11 has been not been previously reported in the literature in individuals with primary ciliary dyskinesia, but has been identified in 0.004% (3/74906) of African/African American chromosomes by the Genome Aggregation Database (gnomAD; dbSNP rs377630570). Although this variant has been seen in the general population in a heterozygous state, its frequency is low enough to be consistent with a recessive carrier frequency. This variant has also been reported in ClinVar (Variation ID: 1955700) and has been interpreted as pathogenic by Invitae and a variant of uncertain significance by Ambry Genetics. Computational prediction tools and conservation analyses suggest that this variant may impact the protein, though this information is not predictive enough to determine pathogenicity. In summary, the clinical significance of the p.Gly2860Ser variant is uncertain. ACMG/AMP Criteria applied: PP3_moderate, PM2_supporting (Richards 2015).

Ambry Genetics
Classification: Uncertain significance for Primary ciliary dyskinesia. Last evaluated: 2022-12-14. Review status: criteria provided, single submitter. Criteria: Ambry Variant Classification Scheme 2023. Collection method: clinical testing. Allele origin: germline.

Labcorp Genetics (formerly Invitae), Labcorp
Classification: Pathogenic for Primary ciliary dyskinesia. Last evaluated: 2022-09-15. Review status: criteria provided, single submitter. Criteria: Invitae Variant Classification Sherloc (09022015). Collection method: clinical testing. Allele origin: germline.
Comment: Algorithms developed to predict the effect of missense changes on protein structure and function (SIFT, PolyPhen-2, Align-GVGD) all suggest that this variant is likely to be disruptive. For these reasons, this variant has been classified as Pathogenic. This missense change has been observed in individual(s) with primary ciliary dyskinesia (Invitae). In at least one individual the data is consistent with being in trans (on the opposite chromosome) from a pathogenic variant. This sequence change replaces glycine, which is neutral and non-polar, with serine, which is neutral and polar, at codon 2860 of the DNAH11 protein (p.Gly2860Ser). This variant is not present in population databases (gnomAD no frequency).

NM_001277115.2(DNAH11):c.8578G>A (p.Gly2860Ser)

Gene: DNAH11 (dynein axonemal heavy chain 11; plus strand). Cytogenetic location: 7p15.3.
Variant type: single nucleotide variant.
Coding change: c.8578G>A on transcript NM_001277115.2 (MANE Select); coding-DNA position 8578, G replaced by A.
Protein change: p.Gly2860Ser; replaces glycine 2860 with serine.
Molecular consequence: missense variant.
Genome position (GRCh38, 1-based): chr7:21,748,647, G>A. VCF-style: chr7-21748647-G-A. GRCh37 (hg19) VCF-style: chr7-21788265-G-A.
Other names: NM_001277115.2(DNAH11):c.8578G>A; p.Gly2860Ser; c.8599G>A, p.Gly2867Ser (NM_003777.3); short protein forms G2867S, G2860S.
Identifiers: ClinVar variation 1955700 (VCV001955700.7), dbSNP rs377630570, ClinGen allele CA4181652.